The following is an entry in ClinVar:

ClinVar aggregate classification (germline): Uncertain significance (1 of 4 stars; one submission).

Submission:

Labcorp Genetics (formerly Invitae), Labcorp
Classification: Uncertain significance. Last evaluated: 2022-08-15. Review status: criteria provided, single submitter. Criteria: Invitae Variant Classification Sherloc (09022015). Collection method: clinical testing. Allele origin: germline.
Comment: This sequence change replaces leucine, which is neutral and non-polar, with proline, which is neutral and non-polar, at codon 526 of the RARS2 protein (p.Leu526Pro). This variant is not present in population databases (gnomAD no frequency). This variant has not been reported in the literature in individuals affected with RARS2-related conditions. Advanced modeling of protein sequence and biophysical properties (such as structural, functional, and spatial information, amino acid conservation, physicochemical variation, residue mobility, and thermodynamic stability) performed at Invitae indicates that this missense variant is expected to disrupt RARS2 protein function. In summary, the available evidence is currently insufficient to determine the role of this variant in disease. Therefore, it has been classified as a Variant of Uncertain Significance.

NM_020320.5(RARS2):c.1577T>C (p.Leu526Pro)

Gene: RARS2 (arginyl-tRNA synthetase 2, mitochondrial; minus strand). Cytogenetic location: 6q15.
Variant type: single nucleotide variant.
Coding change: c.1577T>C on transcript NM_020320.5 (MANE Select); coding-DNA position 1577, T replaced by C.
Protein change: p.Leu526Pro; replaces leucine 526 with proline.
Molecular consequence: missense variant. On other transcripts: non-coding transcript variant (23).
Genome position (GRCh38, 1-based): chr6:87,516,815, A>G on the plus strand (T>C on the coding strand, the complement: RARS2 is on the minus strand). VCF-style: chr6-87516815-A-G. GRCh37 (hg19) VCF-style: chr6-88226533-A-G.
Other names: c.1052T>C, p.Leu351Pro (NM_001318785.2, NM_001350506.2, NM_001350507.2 and 4 more transcripts); c.1577T>C, p.Leu526Pro (NM_001350505.2); short protein forms L351P, L526P.
Identifiers: ClinVar variation 1989499 (VCV001989499.4), dbSNP rs2483013818, ClinGen allele CA364919630.